The following is an entry in ClinVar:

ClinVar aggregate classification (germline): Likely benign (1 of 4 stars; one submission).

gnomAD v4.1: 22 of 1,609,258 alleles (0.0014%); highest among the groups gnomAD compares: Non-Finnish European, 0.0017%; no homozygotes.

Submission:

CeGaT Center for Human Genetics Tuebingen
Classification: Likely benign. Last evaluated: 2025-05-01. Review status: criteria provided, single submitter. Criteria: CeGaT Center For Human Genetics Tuebingen Variant Classification Criteria Version 2. Collection method: clinical testing. Allele origin: germline. Affected: yes. Observed: 1 variant allele.
Comment: DENND5B: BP4, BP7

NM_144973.4(DENND5B):c.2820A>G (p.Ser940=)

Gene: DENND5B (DENN domain containing 5B; minus strand). Cytogenetic location: 12p11.21.
Variant type: single nucleotide variant.
Coding change: c.2820A>G on transcript NM_144973.4 (MANE Select); coding-DNA position 2820, A replaced by G.
Protein change: p.Ser940=; no amino-acid change (serine 940 retained).
Molecular consequence: synonymous variant.
Genome position (GRCh38, 1-based): chr12:31,402,627, T>C on the plus strand (A>G on the coding strand, the complement: DENND5B is on the minus strand). VCF-style: chr12-31402627-T-C. GRCh37 (hg19) VCF-style: chr12-31555561-T-C.
Other names: c.2925A>G, p.Ser975= (NM_001308339.2).
Identifiers: ClinVar variation 3905186 (VCV003905186.10).